The following is an entry in ClinVar:

NM_000088.4(COL1A1):c.1768-8C>T

Gene: COL1A1 (collagen type I alpha 1 chain; minus strand). Cytogenetic location: 17q21.33.
Variant type: single nucleotide variant.
Coding change: c.1768-8C>T on transcript NM_000088.4 (MANE Select); 8 bases into the intron before coding-DNA position 1768, C replaced by T.
Molecular consequence: intron variant.
Genome position (GRCh38, 1-based): chr17:50,193,055, G>A on the plus strand (C>T on the coding strand, the complement: COL1A1 is on the minus strand). VCF-style: chr17-50193055-G-A. GRCh37 (hg19) VCF-style: chr17-48270416-G-A.
Other names: p.?.
Identifiers: ClinVar variation 35904 (VCV000035904.29), dbSNP rs193922142, ClinGen allele CA260282.

ClinVar aggregate classification (germline): Conflicting classifications of pathogenicity. Review status: criteria provided, conflicting classifications (1 of 4 stars). 11 submissions from 9 submitters: Uncertain significance (2); Benign (3); Likely benign (6). Last evaluated 2026-09-21.

Conditions:
Infantile cortical hyperostosis. Also called: Hyperostosis, Cortical, Congenital; Caffey Disease; P1PK BLOOD GROUP SYSTEM, P(2) PHENOTYPE. Identifiers: Orphanet 1310, MedGen C0020497, MONDO:0007244, OMIM 114000.
Osteogenesis imperfecta (OI). Identifiers: Orphanet 666, MedGen C0029434, MeSH D010013, MONDO:0019019.
Ehlers-Danlos syndrome, arthrochalasia type. Also called: ARTHROCHALASIS MULTIPLEX CONGENITA; EDS VII, MUTANT PROCOLLAGEN TYPE; EDS VIIA; Ehlers-Danlos syndrome, arthrochalasia type, 1; Ehlers-Danlos syndrome, arthrochalasis type. Identifiers: Orphanet 1899, Orphanet 99875, Orphanet 99876, MedGen C4551623, MONDO:0007525, OMIM 130060.
Osteogenesis imperfecta type I (OI1). Also called: Lobstein's Disease; Osteogenesis imperfecta type 1; Lobstein disease; OI, TYPE I; OSTEOGENESIS IMPERFECTA TARDA; OSTEOGENESIS IMPERFECTA WITH BLUE SCLERAE. Identifiers: Orphanet 216796, Orphanet 666, MedGen C0023931, MONDO:0008146, OMIM 166200. Disease mechanism: loss of function.

Allele frequency attached by ClinVar (database versions not stated): gnomAD exomes 0.00018 and 0.00029; gnomAD 0.00028 and 0.00030; ExAC 0.00018; TOPMed 0.00020; 1000 Genomes Project 30x 0.00016; 1000 Genomes Project 0.00020; ESP Exome Variant Server 0.00031.
gnomAD v4.1: 476 of 1,613,682 alleles (0.029%); highest among the groups gnomAD compares: Non-Finnish European, 0.036%; no homozygotes.

Submissions (11):

Molecular Diagnostic Laboratory for Inherited Cardiovascular Disease, Montreal Heart Institute
Classification: Likely benign. Last evaluated: 2026-09-21. Review status: criteria provided, single submitter. Criteria: ACMG Guidelines, 2015. Collection method: clinical testing. Allele origin: germline. Affected: no.
Comment: BS1;BP4

Labcorp Genetics (formerly Invitae), Labcorp
Classification: Benign for Osteogenesis imperfecta type I. Last evaluated: 2026-01-03. Review status: criteria provided, single submitter. Criteria: Invitae Variant Classification Sherloc (09022015). Collection method: clinical testing. Allele origin: germline.

Mayo Clinic Laboratories, Mayo Clinic
Classification: Likely benign. Last evaluated: 2025-09-11. Review status: criteria provided, single submitter. Criteria: ACMG Guidelines, 2015. Collection method: clinical testing. Allele origin: germline. Observed: 3 variant alleles.
Comment: BS1, BP4, BP7

Laboratory of Genetics, Children's Clinical University Hospital Latvia
Classification: Likely benign. Last evaluated: 2025-02-16. Review status: criteria provided, single submitter. Criteria: ACMG Guidelines, 2015. Collection method: clinical testing. Allele origin: germline. Affected: yes.

Women's Health and Genetics/Laboratory Corporation of America, LabCorp
Classification: Benign. Last evaluated: 2025-01-03. Review status: criteria provided, single submitter. Criteria: LabCorp Variant Classification Summary - May 2015. Collection method: clinical testing. Allele origin: germline.
Comment: Variant summary: COL1A1 c.1768-8C>T alters a non-conserved nucleotide located close to a canonical splice site and therefore could affect mRNA splicing, leading to a significantly altered protein sequence. Consensus agreement among computation tools predict no significant impact on normal splicing. However, these predictions have yet to be confirmed by functional studies. The variant allele was found at a frequency of 0.00018 in 248762 control chromosomes. The observed variant frequency is approximately 6.43 fold of the estimated maximal expected allele frequency for a pathogenic variant in COL1A1 causing Osteogenesis Imperfecta phenotype (2.8e-05). To our knowledge, no occurrence of c.1768-8C>T in individuals affected with Osteogenesis Imperfecta and no experimental evidence demonstrating its impact on protein function have been reported. ClinVar contains an entry for this variant (Variation ID: 35904). Based on the evidence outlined above, the variant was classified as benign.

Blueprint Genetics
Classification: Likely benign. Last evaluated: 2024-05-15. Review status: criteria provided, single submitter. Criteria: ACMG Guidelines, 2015. Collection method: clinical testing. Allele origin: germline.

GeneDx
Classification: Likely benign. Last evaluated: 2019-09-10. Review status: criteria provided, single submitter. Criteria: GeneDx Variant Classification Process June 2021. Collection method: clinical testing. Allele origin: germline. Affected: yes.

Laboratorio de Genetica e Diagnostico Molecular, Hospital Israelita Albert Einstein
Classification: Uncertain significance. Last evaluated: 2019-05-27. Review status: criteria provided, single submitter. Criteria: ACMG Guidelines, 2015. Collection method: clinical testing. Allele origin: germline. Affected: yes.
Comment: ACMG classification criteria: PM2

Illumina Laboratory Services, Illumina
Classification: Uncertain significance for Infantile cortical hyperostosis. Last evaluated: 2018-01-12. Review status: criteria provided, single submitter. Criteria: ICSL Variant Classification Criteria 13 December 2019. Collection method: clinical testing. Allele origin: germline.

Illumina Laboratory Services, Illumina
Classification: Benign for Ehlers-Danlos syndrome, arthrochalasia type. Last evaluated: 2018-01-12. Review status: criteria provided, single submitter. Criteria: ICSL Variant Classification Criteria 13 December 2019. Collection method: clinical testing. Allele origin: germline.
Comment: This variant was observed in the ICSL laboratory as part of a predisposition screen in an ostensibly healthy population. It had not been previously curated by ICSL or reported in the Human Gene Mutation Database (HGMD: prior to June 1st, 2018), and was therefore a candidate for classification through an automated scoring system. Utilizing variant allele frequency, disease prevalence and penetrance estimates, and inheritance mode, an automated score was calculated to assess if this variant is too frequent to cause the disease. Based on the score and internal cut-off values, a variant classified as benign is not then subjected to further curation. The score for this variant resulted in a classification of benign for this disease.

Illumina Laboratory Services, Illumina
Classification: Likely benign for Osteogenesis imperfecta. Last evaluated: 2018-01-12. Review status: criteria provided, single submitter. Criteria: ICSL Variant Classification Criteria 13 December 2019. Collection method: clinical testing. Allele origin: germline.
Comment: This variant was observed in the ICSL laboratory as part of a predisposition screen in an ostensibly healthy population. It had not been previously curated by ICSL or reported in the Human Gene Mutation Database (HGMD: prior to June 1st, 2018), and was therefore a candidate for classification through an automated scoring system. Utilizing variant allele frequency, disease prevalence and penetrance estimates, and inheritance mode, an automated score was calculated to assess if this variant is too frequent to cause the disease. Based on the score and internal cut-off values, a variant classified as likely benign is not then subjected to further curation. The score for this variant resulted in a classification of likely benign for this disease.